The following is an entry in ClinVar:

NM_001128840.3(CACNA1D):c.5785C>T (p.Arg1929Cys)

Gene: CACNA1D (calcium voltage-gated channel subunit alpha1 D; plus strand). Cytogenetic location: 3p21.1.
Variant type: single nucleotide variant.
Coding change: c.5785C>T on transcript NM_001128840.3 (MANE Select); coding-DNA position 5785, C replaced by T.
Protein change: p.Arg1929Cys; replaces arginine 1929 with cysteine.
Molecular consequence: missense variant.
Genome position (GRCh38, 1-based): chr3:53,808,684, C>T. VCF-style: chr3-53808684-C-T. GRCh37 (hg19) VCF-style: chr3-53842711-C-T.
Other names: c.5845C>T (NM_000720.2); c.5845C>T, p.Arg1949Cys (NM_000720.4); c.5713C>T, p.Arg1905Cys (NM_001128839.3); short protein forms R1929C, R1949C, R1905C.
Identifiers: ClinVar variation 1946108 (VCV001946108.7), dbSNP rs751909241, ClinGen allele CA2455267.

ClinVar aggregate classification (germline): Uncertain significance. Review status: criteria provided, multiple submitters, no conflicts (2 of 4 stars). 3 submissions from 3 submitters: Uncertain significance (3). Last evaluated 2025-08-23.

Conditions:
Inborn genetic diseases. Identifiers: MedGen C0950123, MeSH D030342.

Allele frequency attached by ClinVar (database versions not stated): gnomAD 0.00001; gnomAD exomes 0.00001; TOPMed 0.00001; ExAC 0.00002.
gnomAD v4.1: 12 of 1,609,290 alleles (0.00075%); highest among the groups gnomAD compares: East Asian, 0.011%; no homozygotes.

Submissions (3):

Ambry Genetics
Classification: Uncertain significance for Inborn genetic diseases. Last evaluated: 2025-08-23. Review status: criteria provided, single submitter. Criteria: Ambry Variant Classification Scheme 2023. Collection method: clinical testing. Allele origin: germline.

Labcorp Genetics (formerly Invitae), Labcorp
Classification: Uncertain significance. Last evaluated: 2024-08-13. Review status: criteria provided, single submitter. Criteria: Invitae Variant Classification Sherloc (09022015). Collection method: clinical testing. Allele origin: germline.
Comment: This sequence change replaces arginine, which is basic and polar, with cysteine, which is neutral and slightly polar, at codon 1949 of the CACNA1D protein (p.Arg1949Cys). The frequency data for this variant in the population databases is considered unreliable, as metrics indicate poor data quality at this position in the gnomAD database. This variant has not been reported in the literature in individuals affected with CACNA1D-related conditions. ClinVar contains an entry for this variant (Variation ID: 1946108). An algorithm developed to predict the effect of missense changes on protein structure and function (PolyPhen-2) suggests that this variant is likely to be disruptive. In summary, the available evidence is currently insufficient to determine the role of this variant in disease. Therefore, it has been classified as a Variant of Uncertain Significance.

GeneDx
Classification: Uncertain significance. Last evaluated: 2024-07-24. Review status: criteria provided, single submitter. Criteria: GeneDx Variant Classification Process June 2021. Collection method: clinical testing. Allele origin: germline. Affected: yes.
Comment: In silico analysis supports that this missense variant has a deleterious effect on protein structure/function; Has not been previously published as pathogenic or benign to our knowledge